The following is an entry in ClinVar:

NM_006785.4(MALT1):c.1651C>T (p.Arg551Ter)

Gene: MALT1 (MALT1 paracaspase; plus strand). Cytogenetic location: 18q21.32.
Variant type: single nucleotide variant.
Coding change: c.1651C>T on transcript NM_006785.4 (MANE Select); coding-DNA position 1651, C replaced by T.
Protein change: p.Arg551Ter; replaces arginine 551 with a stop codon.
Molecular consequence: nonsense.
Genome position (GRCh38, 1-based): chr18:58,741,912, C>T. VCF-style: chr18-58741912-C-T. GRCh37 (hg19) VCF-style: chr18-56409144-C-T.
Other names: c.1618C>T, p.Arg540Ter (NM_173844.3); short protein forms R540*, R551*.
Identifiers: ClinVar variation 2571019 (VCV002571019.27), dbSNP rs2511564239, ClinGen allele CA402575478.

ClinVar aggregate classification (germline): Pathogenic (1 of 4 stars; one submission).

gnomAD v4.1: 1 of 1,563,496 alleles (0.000064%); highest among the groups gnomAD compares: Non-Finnish European, 0.000088%; no homozygotes.

Submission:

CeGaT Center for Human Genetics Tuebingen
Classification: Pathogenic. Last evaluated: 2023-05-01. Review status: criteria provided, single submitter. Criteria: CeGaT Center For Human Genetics Tuebingen Variant Classification Criteria Version 2. Collection method: clinical testing. Allele origin: germline. Affected: yes. Observed: 1 variant allele.
Comment: MALT1: PVS1, PM2